The following is an entry in ClinVar:

NM_052928.3(SMYD4):c.1735C>T (p.Arg579Trp)

Gene: SMYD4 (SET and MYND domain containing 4; minus strand). Cytogenetic location: 17p13.3.
Variant type: single nucleotide variant.
Coding change: c.1735C>T on transcript NM_052928.3 (MANE Select); coding-DNA position 1735, C replaced by T.
Protein change: p.Arg579Trp; replaces arginine 579 with tryptophan.
Molecular consequence: missense variant.
Genome position (GRCh38, 1-based): chr17:1,786,959, G>A on the plus strand (C>T on the coding strand, the complement: SMYD4 is on the minus strand). VCF-style: chr17-1786959-G-A. GRCh37 (hg19) VCF-style: chr17-1690253-G-A.
Other names: c.1735C>T (NM_052928.2); short protein forms R579W.
Identifiers: ClinVar variation 2647212 (VCV002647212.25), dbSNP rs760555702, ClinGen allele CA8275273.

ClinVar aggregate classification (germline): Conflicting classifications of pathogenicity. Review status: criteria provided, conflicting classifications (1 of 4 stars). 2 submissions from 2 submitters: Uncertain significance (1); Likely benign (1). Last evaluated 2024-04-08.

Allele frequency attached by ClinVar (database versions not stated): ExAC 0.00007; gnomAD 0.00007; gnomAD exomes 0.00009; TOPMed 0.00013; 1000 Genomes Project 30x 0.00031.

Submissions (2):

Ambry Genetics
Classification: Uncertain significance. Last evaluated: 2024-04-08. Review status: criteria provided, single submitter. Criteria: Ambry Variant Classification Scheme 2023. Collection method: clinical testing. Allele origin: germline.

CeGaT Center for Human Genetics Tuebingen
Classification: Likely benign. Last evaluated: 2022-10-01. Review status: criteria provided, single submitter. Criteria: CeGaT Center For Human Genetics Tuebingen Variant Classification Criteria Version 2. Collection method: clinical testing. Allele origin: germline. Affected: yes. Observed: 1 variant allele.
Comment: SMYD4: BP4